The following is an entry in ClinVar:

NM_000135.4(FANCA):c.308C>G (p.Ser103Ter)

Gene: FANCA (FA complementation group A; minus strand). Cytogenetic location: 16q24.3.
Variant type: single nucleotide variant.
Coding change: c.308C>G on transcript NM_000135.4 (MANE Select); coding-DNA position 308, C replaced by G.
Protein change: p.Ser103Ter; replaces serine 103 with a stop codon.
Molecular consequence: nonsense.
Genome position (GRCh38, 1-based): chr16:89,811,047, G>C on the plus strand (C>G on the coding strand, the complement: FANCA is on the minus strand). VCF-style: chr16-89811047-G-C. GRCh37 (hg19) VCF-style: chr16-89877455-G-C.
Other names: c.308C>G, p.Ser103Ter (NM_001018112.3, NM_001286167.3, NM_001351830.2); short protein forms S103*.
Identifiers: ClinVar variation 984285 (VCV000984285.5), dbSNP rs147176389, ClinGen allele CA397481072.

ClinVar aggregate classification (germline): Likely pathogenic. Review status: criteria provided, multiple submitters, no conflicts (2 of 4 stars). 2 submissions from 2 submitters: Likely pathogenic (2). Last evaluated 2024-01-07.

Conditions:
Fanconi anemia complementation group A (FANCA). Also called: Fanconi anemia, group A; FANCA-Related Fanconi Anemia. Identifiers: Orphanet 84, MedGen C3469521, MONDO:0009215, OMIM 227650.

Submissions (2):

Baylor Genetics
Classification: Likely pathogenic for Fanconi anemia complementation group A. Last evaluated: 2024-01-07. Review status: criteria provided, single submitter. Criteria: ACMG Guidelines, 2015. Collection method: clinical testing. Allele origin: unknown.

Myriad Genetics, Inc.
Classification: Likely pathogenic for Fanconi anemia complementation group A. Last evaluated: 2019-01-01. Review status: criteria provided, single submitter. Criteria: Myriad Women's Health Autosomal Recessive and X-Linked Classification Criteria (2019). Collection method: clinical testing. Allele origin: unknown.
Comment: NM_000135.2(FANCA):c.308C>G(S103*) is expected to be pathogenic in the context of Fanconi anemia complementation group A. This variant is predicted to lead to an abnormal or absent protein product due to the creation of a premature termination codon in FANCA, a gene where loss-of-function variants are known to be pathogenic. Please note: this variant was assessed in the context of healthy population screening.